The following is an entry in ClinVar:

NM_000264.5(PTCH1):c.2330T>A (p.Leu777His)

Genes: PTCH1 (patched 1; minus strand), LOC100507346 (uncharacterized LOC100507346; plus strand). Cytogenetic location: 9q22.32.
Variant type: single nucleotide variant.
Coding change: c.2330T>A on transcript NM_000264.5 (MANE Select); coding-DNA position 2330, T replaced by A.
Protein change: p.Leu777His; replaces leucine 777 with histidine.
Molecular consequence: missense variant. On other transcripts: non-coding transcript variant (1).
Genome position (GRCh38, 1-based): chr9:95,467,346, A>T on the plus strand (T>A on the coding strand, the complement: PTCH1 is on the minus strand). VCF-style: chr9-95467346-A-T. GRCh37 (hg19) VCF-style: chr9-98229628-A-T.
Other names: c.2132T>A, p.Leu711His (NM_001083602.3); c.2327T>A, p.Leu776His (NM_001083603.3); c.1877T>A, p.Leu626His (NM_001083604.3, NM_001083605.3, NM_001083606.3 and 1 more transcripts); c.2174T>A, p.Leu725His (NM_001354918.2); short protein forms L777H, L626H, L725H, L711H, L776H.
Identifiers: ClinVar variation 3311142 (VCV003311142.1).
Genomic context (GRCh38, chr9:95,467,346, plus strand): 5'-TATTTGAATTGTGCAGCAATAAAGTCATATTCTCTGGTTTCCCGAGGTACAATGTCCGTA[A>T]GGTCCAGCCCGTCTCTCACTCGGGTGGTGCCATAAAGGCTGACCCCCAGCAAGCCCAGAA-3'
Protein context (NP_000255.2, residues 767-787): GTTRVRDGLD[Leu777His]TDIVPRETRE

ClinVar aggregate classification (germline): Uncertain significance (1 of 4 stars; one submission).

Conditions:
Hereditary cancer-predisposing syndrome. Also called: Neoplastic Syndromes, Hereditary; Tumor predisposition; Hereditary neoplastic syndrome; Hereditary Cancer Syndrome. Identifiers: Orphanet 140162, MedGen C0027672, MeSH D009386, MONDO:0015356.

Submission:

Ambry Genetics
Classification: Uncertain significance for Hereditary cancer-predisposing syndrome. Last evaluated: 2024-03-28. Review status: criteria provided, single submitter. Criteria: Ambry Variant Classification Scheme 2023. Collection method: clinical testing. Allele origin: germline.
Comment: The p.L777H variant (also known as c.2330T>A), located in coding exon 15 of the PTCH1 gene, results from a T to A substitution at nucleotide position 2330. The leucine at codon 777 is replaced by histidine, an amino acid with similar properties. This amino acid position is conserved. In addition, this alteration is predicted to be deleterious by in silico analysis. Based on the available evidence, the clinical significance of this alteration remains unclear.